The following is an entry in ClinVar:

NM_194248.3(OTOF):c.2711G>A (p.Trp904Ter)

Gene: OTOF (otoferlin; minus strand). Cytogenetic location: 2p23.3.
Variant type: single nucleotide variant.
Coding change: c.2711G>A on transcript NM_194248.3 (MANE Select); coding-DNA position 2711, G replaced by A.
Protein change: p.Trp904Ter; replaces tryptophan 904 with a stop codon.
Molecular consequence: nonsense.
Genome position (GRCh38, 1-based): chr2:26,476,283, C>T on the plus strand (G>A on the coding strand, the complement: OTOF is on the minus strand). VCF-style: chr2-26476283-C-T. GRCh37 (hg19) VCF-style: chr2-26699151-C-T.
Other names: c.2711G>A, p.Trp904Ter (NM_001287489.2); c.470G>A, p.Trp157Ter (NM_004802.4, NM_194323.3); c.641G>A, p.Trp214Ter (NM_194322.3); short protein forms W157*, W214*, W904*.
Identifiers: ClinVar variation 2981250 (VCV002981250.3), dbSNP rs2465584935, ClinGen allele CA346116513.
Genomic context (GRCh38, chr2:26,476,283, plus strand): 5'-TCCTTGCGCTGTTTGCTGAGGCCCAGCCACAGGTACAGCTCCACCTTGGCCTGCACTGTC[C>T]AGCCTGCCGAGCCGAAGCCCCGCTTCCCTGGCAGCTGGGGGTGGGCATGGGGTCACCAGG-3'

ClinVar aggregate classification (germline): Pathogenic (1 of 4 stars; one submission).

Submission:

Labcorp Genetics (formerly Invitae), Labcorp
Classification: Pathogenic. Last evaluated: 2023-03-24. Review status: criteria provided, single submitter. Criteria: Invitae Variant Classification Sherloc (09022015). Collection method: clinical testing. Allele origin: germline.
Comment: For these reasons, this variant has been classified as Pathogenic. This variant has not been reported in the literature in individuals affected with OTOF-related conditions. This variant is not present in population databases (gnomAD no frequency). This sequence change creates a premature translational stop signal (p.Trp904*) in the OTOF gene. It is expected to result in an absent or disrupted protein product. Loss-of-function variants in OTOF are known to be pathogenic (PMID: 18381613, 19250381, 22575033).

Literature cited by the submitters: PubMed 18381613; PubMed 19250381; PubMed 22575033.